The following is an entry in ClinVar:

NM_001844.5(COL2A1):c.2453G>T (p.Arg818Leu)

Gene: COL2A1 (collagen type II alpha 1 chain; minus strand). Cytogenetic location: 12q13.11.
Variant type: single nucleotide variant.
Coding change: c.2453G>T on transcript NM_001844.5 (MANE Select); coding-DNA position 2453, G replaced by T.
Protein change: p.Arg818Leu; replaces arginine 818 with leucine.
Molecular consequence: missense variant.
Genome position (GRCh38, 1-based): chr12:47,981,353, C>A on the plus strand (G>T on the coding strand, the complement: COL2A1 is on the minus strand). VCF-style: chr12-47981353-C-A. GRCh37 (hg19) VCF-style: chr12-48375136-C-A.
Other names: c.2246G>T, p.Arg749Leu (NM_033150.3); c.2453G>T (NM_001844.4); short protein forms R818L, R749L.
Identifiers: ClinVar variation 2078048 (VCV002078048.7), dbSNP rs376834551, ClinGen allele CA6535096.

ClinVar aggregate classification (germline): Conflicting classifications of pathogenicity. Review status: criteria provided, conflicting classifications (1 of 4 stars). 4 submissions from 4 submitters: Uncertain significance (3); Likely benign (1). Last evaluated 2025-06-08.

Conditions:
Inborn genetic diseases. Identifiers: MedGen C0950123, MeSH D030342.
COL2A1-related disorder. Also called: COL2A1-related condition; COL2A1-related disorders.

Allele frequency attached by ClinVar (database versions not stated): TOPMed below 0.00001.
gnomAD v4.1: 5 of 1,612,986 alleles (0.00031%); highest among the groups gnomAD compares: Admixed American, 0.0067%; no homozygotes.

Submissions (4):

Labcorp Genetics (formerly Invitae), Labcorp
Classification: Likely benign. Last evaluated: 2025-06-08. Review status: criteria provided, single submitter. Criteria: Invitae Variant Classification Sherloc (09022015). Collection method: clinical testing. Allele origin: germline.

GeneDx
Classification: Uncertain significance. Last evaluated: 2025-01-30. Review status: criteria provided, single submitter. Criteria: GeneDx Variant Classification Process June 2021. Collection method: clinical testing. Allele origin: germline. Affected: yes.
Comment: In silico analysis supports that this missense variant has a deleterious effect on protein structure/function; Has not been previously published as pathogenic or benign to our knowledge; Occurs in the triple helical domain at the Y position in the canonical Gly-X-Y repeat; although this variant may have an effect on normal protein folding and function, missense substitution at the Y position is not a common mechanism of disease (HGMD)

3billion
Classification: Uncertain significance for COL2A1-related disorder. Last evaluated: 2024-11-27. Review status: criteria provided, single submitter. Criteria: ACMG Guidelines, 2015. Collection method: clinical testing. Allele origin: germline. Affected: yes.
Comment: The variant is observed at an extremely low frequency in the gnomAD v4.1.0 dataset (total allele frequency: <0.001%). Predicted Consequence/Location: The variant is located in a mutational hot spot and/or well-established functional domain in which established pathogenic variants have been reported (PMID: 26626311). In silico tool predictions suggest damaging effect of the variant on gene or gene product [REVEL: 0.66 (>=0.6, sensitivity 0.68 and specificity 0.92)]. The variant has been reported as benign without evidence for the classification (ClinVar ID: VCV002078048). Therefore, this variant is classified as VUS according to the recommendation of ACMG/AMP guideline.

Ambry Genetics
Classification: Uncertain significance for Inborn genetic diseases. Last evaluated: 2024-09-26. Review status: criteria provided, single submitter. Criteria: Ambry Variant Classification Scheme 2023. Collection method: clinical testing. Allele origin: germline.